The following is an entry in ClinVar:

NM_001351169.2(NT5C2):c.390-3C>T

Gene: NT5C2 (5'-nucleotidase, cytosolic II; minus strand). Cytogenetic location: 10q24.33.
Variant type: single nucleotide variant.
Coding change: c.390-3C>T on transcript NM_001351169.2 (MANE Select); 3 bases into the intron before coding-DNA position 390, C replaced by T.
Molecular consequence: intron variant.
Genome position (GRCh38, 1-based): chr10:103,101,329, G>A on the plus strand (C>T on the coding strand, the complement: NT5C2 is on the minus strand). VCF-style: chr10-103101329-G-A. GRCh37 (hg19) VCF-style: chr10-104861086-G-A.
Other names: c.303-3C>T (NM_001351174.1); c.-92-227C>T (NM_001351191.1, NM_001351181.2); c.-184-3C>T (NM_001351192.1, NM_001351193.1, NM_001351183.2 and 4 more transcripts); c.-366-3C>T (NM_001351194.2, NM_001351195.2, NM_001351196.2); c.-376-3C>T (NM_001351180.2, NM_001351188.2, NM_001351184.2 and 4 more transcripts); c.390-3C>T (NM_001134373.3, NM_012229.5); c.-397-3C>T (NM_001351185.2, NM_001351187.2); c.414-3C>T (NM_001351170.2, NM_001351171.2, NM_001351172.2 and 1 more transcripts); and 2 more.
Identifiers: ClinVar variation 567683 (VCV000567683.10), dbSNP rs754629068, ClinGen allele CA5671099.

ClinVar aggregate classification (germline): Uncertain significance. Review status: criteria provided, multiple submitters, no conflicts (2 of 4 stars). 2 submissions from 2 submitters: Uncertain significance (2). Last evaluated 2022-08-23.

Conditions:
Hereditary spastic paraplegia 45. Also called: SPASTIC PARAPLEGIA 45; Spastic paraplegia 45, autosomal recessive. Identifiers: Orphanet 320396, MedGen C3888209, MONDO:0013165, OMIM 613162.
Hereditary spastic paraplegia. Also called: Familial spastic paraparesis. Identifiers: Orphanet 685, MedGen C0037773, MONDO:0019064. Disease mechanism: loss of function.

Allele frequency attached by ClinVar (database versions not stated): ExAC 0.00001; gnomAD exomes 0.00002 and 0.00005; TOPMed 0.00003; gnomAD 0.00005 and 0.00006.
gnomAD v4.1: 85 of 1,538,090 alleles (0.0055%); highest among the groups gnomAD compares: Non-Finnish European, 0.0066%; no homozygotes.

Submissions (4):

Labcorp Genetics (formerly Invitae), Labcorp
Classification: Uncertain significance for Hereditary spastic paraplegia 45. Last evaluated: 2022-08-23. Review status: criteria provided, single submitter. Criteria: Invitae Variant Classification Sherloc (09022015). Collection method: clinical testing. Allele origin: germline.
Comment: This sequence change falls in intron 6 of the NT5C2 gene. It does not directly change the encoded amino acid sequence of the NT5C2 protein. It affects a nucleotide within the consensus splice site. This variant is present in population databases (rs754629068, gnomAD 0.006%). This variant has not been reported in the literature in individuals affected with NT5C2-related conditions. ClinVar contains an entry for this variant (Variation ID: 567683). Variants that disrupt the consensus splice site are a relatively common cause of aberrant splicing (PMID: 17576681, 9536098). Algorithms developed to predict the effect of sequence changes on RNA splicing suggest that this variant is not likely to affect RNA splicing. In summary, the available evidence is currently insufficient to determine the role of this variant in disease. Therefore, it has been classified as a Variant of Uncertain Significance.

Genome Diagnostics Laboratory, The Hospital for Sick Children
Classification: Uncertain significance for Hereditary spastic paraplegia. Last evaluated: 2018-10-01. Review status: criteria provided, single submitter. Criteria: ACMG Guidelines, 2015. Collection method: clinical testing. Allele origin: germline. Affected: yes.

Dr. Peter K. Rogan Lab, Western University
No classification provided (evidence only). Condition: Clear cell carcinoma of kidney. Review status: no classification provided. Collection method: in vitro. Allele origin: not applicable. Functional consequence: skipped exon, retained intron. Not counted in ClinVar's aggregate classification.

Dr. Peter K. Rogan Lab, Western University
No classification provided (evidence only). Condition: Thymoma. Review status: no classification provided. Collection method: in vitro. Allele origin: not applicable. Functional consequence: retained intron. Not counted in ClinVar's aggregate classification.

Literature cited by the submitters: PubMed 17576681 (cited by Labcorp Genetics (formerly Invitae), Labcorp); PubMed 9536098 (cited by Labcorp Genetics (formerly Invitae), Labcorp).